The following is an entry in ClinVar:

NM_153700.2(STRC):c.2960C>T (p.Ala987Val)

Gene: STRC (stereocilin; minus strand). Cytogenetic location: 15q15.3.
Variant type: single nucleotide variant.
Coding change: c.2960C>T on transcript NM_153700.2 (MANE Select); coding-DNA position 2960, C replaced by T.
Protein change: p.Ala987Val; replaces alanine 987 with valine.
Molecular consequence: missense variant.
Genome position (GRCh38, 1-based): chr15:43,611,981, G>A on the plus strand (C>T on the coding strand, the complement: STRC is on the minus strand). VCF-style: chr15-43611981-G-A. GRCh37 (hg19) VCF-style: chr15-43904179-G-A.
Other names: short protein forms A987V.
Identifiers: ClinVar variation 4990724 (VCV004990724.1).

ClinVar aggregate classification (germline): Uncertain significance (1 of 4 stars; one submission).

Conditions:
STRC-related disorder. Also called: STRC-related condition.

Submission:

PreventionGenetics, part of Exact Sciences
Classification: Uncertain significance for STRC-related condition. Last evaluated: 2026-05-27. Review status: criteria provided, single submitter. Criteria: ACMG Guidelines, 2015. Collection method: clinical testing. Allele origin: germline.
Comment: The STRC c.2960C>T variant is predicted to result in the amino acid substitution p.Ala987Val. To our knowledge, this variant has not been reported in the literature or in a large population database (gnomAD), indicating this variant is rare. At this time, the clinical significance of this variant is uncertain due to the absence of conclusive functional and genetic evidence.